The following is an entry in ClinVar:

ClinVar aggregate classification (germline): Pathogenic. Review status: reviewed by expert panel (3 of 4 stars). 3 submissions from 3 submitters: Pathogenic (1). 2 of the submissions do not count toward it. Last evaluated 2024-12-05.

Conditions:
Mucopolysaccharidosis type 1. Also called: IDUA deficiency; MPS I; Mucopolysaccharidosis Type I. Identifiers: Orphanet 579, MedGen C0023786, MONDO:0001586.
Hurler syndrome. Also called: MUCOPOLYSACCHARIDOSIS TYPE IH; Severe MPS I (Hurler Syndrome); Gargoylism, Hurler Syndrome. Identifiers: Orphanet 93473, MedGen C0086795, MONDO:0011758, OMIM 607014.

Submissions (3):

ClinGen Lysosomal Storage Disorder Variant Curation Expert Panel
Classification: Pathogenic for Mucopolysaccharidosis type 1. Last evaluated: 2024-12-05. Review status: reviewed by expert panel. Criteria: ClinGen LSD ACMG Specifications IDUA V1.0.0. Collection method: curation. Allele origin: germline. Inheritance: Autosomal recessive inheritance.
Comment: The NM_000203.5:c.1029C>A (p.Tyr343Ter) variant in IDUA is a nonsense variant predicted to cause a premature stop codon in biologically-relevant exon 8 out of 14, leading to nonsense mediated decay in a gene in which loss-of-function is an established disease mechanism (PVS1). At least 1 patient with this variant had documented IDUA deficiency within the affected range in leukocytes and urinary GAGs expressed as heparan and dermatan sulfate GAG elevation above normal range (PP4; PMID: 35141277). This variant has been detected in at least 2 individuals with MPS I. Of those individuals, both were compound heterozygous for the variant and a pathogenic variant (c.208C>T p (Gln70Ter)) and neither of those were confirmed in trans (PM3; PMID: 35141277). This variant is absent in gnomAD v4.1.0. (PM2_Supporting). To our knowledge, the results of functional assays have not been reported for this variant. In summary, this variant meets the criteria to be classified as pathogenic for MPS I based on the IDUA-specific ACMG/AMP criteria applied, as specified by the ClinGen Lysosomal Diseases Variant Curation Expert panel (Specifications Version 1.0): PVS1, PP4, PM3, PM2_Supporting. (Classification approved by the ClinGen Lysosomal Diseases Variant Curation Expert Panel on December 5, 2024)

Genomic Research Center, Shahid Beheshti University of Medical Sciences
Classification: Pathogenic for Hurler syndrome. Last evaluated: 2020-05-03. Review status: criteria provided, single submitter. Criteria: ACMG Guidelines, 2015. Collection method: clinical testing. Allele origin: unknown. Affected: yes. Not counted in ClinVar's aggregate classification.

GeneReviews
No classification provided. Condition: Mucopolysaccharidosis type 1. Review status: no classification provided. Collection method: literature only. Allele origin: germline. Not counted in ClinVar's aggregate classification.
Comment: Variant causes attenuated MPS I; premature stop codon used as an acceptor splice site, generating an in-frame deletion

Literature cited by the submitters: PubMed 9391892 (cited by GeneReviews).

NM_000203.5(IDUA):c.1029C>A (p.Tyr343Ter)

Gene: IDUA (alpha-L-iduronidase; plus strand). Cytogenetic location: 4p16.3.
Variant type: single nucleotide variant.
Coding change: c.1029C>A on transcript NM_000203.5 (MANE Select); coding-DNA position 1029, C replaced by A.
Protein change: p.Tyr343Ter; replaces tyrosine 343 with a stop codon.
Molecular consequence: nonsense. On other transcripts: non-coding transcript variant (1).
Genome position (GRCh38, 1-based): chr4:1,002,325, C>A. VCF-style: chr4-1002325-C-A. GRCh37 (hg19) VCF-style: chr4-996113-C-A.
Other names: NM_000203.5(IDUA):c.1029C>A; c.633C>A, p.Tyr211Ter (NM_001363576.1); short protein forms Y343*, Y211*.
Identifiers: ClinVar variation 222997 (VCV000222997.8), dbSNP rs764196171, ClinGen allele CA356984.